The following is an entry in ClinVar:

NM_000428.3(LTBP2):c.641G>A (p.Arg214His)

Gene: LTBP2 (latent transforming growth factor beta binding protein 2; minus strand). Cytogenetic location: 14q24.3.
Variant type: single nucleotide variant.
Coding change: c.641G>A on transcript NM_000428.3 (MANE Select); coding-DNA position 641, G replaced by A.
Protein change: p.Arg214His; replaces arginine 214 with histidine.
Molecular consequence: missense variant.
Genome position (GRCh38, 1-based): chr14:74,586,043, C>T on the plus strand (G>A on the coding strand, the complement: LTBP2 is on the minus strand). VCF-style: chr14-74586043-C-T. GRCh37 (hg19) VCF-style: chr14-75052746-C-T.
Other names: short protein forms R214H.
Identifiers: ClinVar variation 1348916 (VCV001348916.4), dbSNP rs373985419, ClinGen allele CA263588756.

ClinVar aggregate classification (germline): Uncertain significance (1 of 4 stars; one submission).

gnomAD v4.1: 6 of 1,602,588 alleles (0.00037%); highest among the groups gnomAD compares: East Asian, 0.0022%; no homozygotes.

Submission:

Labcorp Genetics (formerly Invitae), Labcorp
Classification: Uncertain significance. Last evaluated: 2021-12-20. Review status: criteria provided, single submitter. Criteria: Invitae Variant Classification Sherloc (09022015). Collection method: clinical testing. Allele origin: germline.
Comment: In summary, the available evidence is currently insufficient to determine the role of this variant in disease. Therefore, it has been classified as a Variant of Uncertain Significance. Algorithms developed to predict the effect of missense changes on protein structure and function (SIFT, PolyPhen-2, Align-GVGD) all suggest that this variant is likely to be disruptive. This variant has not been reported in the literature in individuals affected with LTBP2-related conditions. This variant is not present in population databases (gnomAD no frequency). This sequence change replaces arginine, which is basic and polar, with histidine, which is basic and polar, at codon 214 of the LTBP2 protein (p.Arg214His).